The following is an entry in ClinVar:

NM_144687.4(NLRP12):c.1590G>C (p.Glu530Asp)

Gene: NLRP12 (NLR family pyrin domain containing 12; minus strand). Cytogenetic location: 19q13.42.
Variant type: single nucleotide variant.
Coding change: c.1590G>C on transcript NM_144687.4 (MANE Select); coding-DNA position 1590, G replaced by C.
Protein change: p.Glu530Asp; replaces glutamic acid 530 with aspartic acid.
Molecular consequence: missense variant.
Genome position (GRCh38, 1-based): chr19:53,810,069, C>G on the plus strand (G>C on the coding strand, the complement: NLRP12 is on the minus strand). VCF-style: chr19-53810069-C-G. GRCh37 (hg19) VCF-style: chr19-54313323-C-G.
Other names: c.1590G>C, p.Glu530Asp (NM_001277126.2, NM_001277129.1); short protein forms E530D.
Identifiers: ClinVar variation 2846641 (VCV002846641.3), dbSNP rs751967123, ClinGen allele CA407413097.

ClinVar aggregate classification (germline): Uncertain significance (1 of 4 stars; one submission).

Conditions:
Familial cold autoinflammatory syndrome 2 (FCAS2). Identifiers: Orphanet 247868, MedGen C2673198, MONDO:0012724, OMIM 611762.

Submission:

Labcorp Genetics (formerly Invitae), Labcorp
Classification: Uncertain significance for Familial cold autoinflammatory syndrome 2. Last evaluated: 2025-01-20. Review status: criteria provided, single submitter. Criteria: Invitae Variant Classification Sherloc (09022015). Collection method: clinical testing. Allele origin: germline.
Comment: This sequence change replaces glutamic acid, which is acidic and polar, with aspartic acid, which is acidic and polar, at codon 530 of the NLRP12 protein (p.Glu530Asp). This variant is not present in population databases (gnomAD no frequency). This variant has not been reported in the literature in individuals affected with NLRP12-related conditions. ClinVar contains an entry for this variant (Variation ID: 2846641). Invitae Evidence Modeling of protein sequence and biophysical properties (such as structural, functional, and spatial information, amino acid conservation, physicochemical variation, residue mobility, and thermodynamic stability) indicates that this missense variant is not expected to disrupt NLRP12 protein function with a negative predictive value of 80%. In summary, the available evidence is currently insufficient to determine the role of this variant in disease. Therefore, it has been classified as a Variant of Uncertain Significance.